The following is an entry in ClinVar:

NM_000124.4(ERCC6):c.4339A>G (p.Thr1447Ala)

Gene: ERCC6 (ERCC excision repair 6, chromatin remodeling factor; minus strand). Cytogenetic location: 10q11.23.
Variant type: single nucleotide variant.
Coding change: c.4339A>G on transcript NM_000124.4 (MANE Select); coding-DNA position 4339, A replaced by G.
Protein change: p.Thr1447Ala; replaces threonine 1447 with alanine.
Molecular consequence: missense variant.
Genome position (GRCh38, 1-based): chr10:49,458,958, T>C on the plus strand (A>G on the coding strand, the complement: ERCC6 is on the minus strand). VCF-style: chr10-49458958-T-C. GRCh37 (hg19) VCF-style: chr10-50667004-T-C.
Other names: c.4339A>G, p.Thr1447Ala (NM_001346440.2); short protein forms T1447A.
Identifiers: ClinVar variation 1716949 (VCV001716949.5), dbSNP rs2495942863, ClinGen allele CA376703192.
Genomic context (GRCh38, chr10:49,458,958, plus strand): 5'-GGAAGACACAAGACTGTGATGCAGATAACTTGGATTCAAACTCCTGCAGTATCTCCCTGG[T>C]GCTGGCCTGGCCATCAGTGTGGGCCTGGAAAGCGATGAAGTTTCTCATCTCCACCAGAAG-3'
Protein context (NP_000115.1, residues 1437-1457): FQAHTDGQAS[Thr1447Ala]REILQEFESK

ClinVar aggregate classification (germline): Uncertain significance (1 of 4 stars; one submission).

Submission:

Labcorp Genetics (formerly Invitae), Labcorp
Classification: Uncertain significance. Last evaluated: 2022-07-17. Review status: criteria provided, single submitter. Criteria: Invitae Variant Classification Sherloc (09022015). Collection method: clinical testing. Allele origin: germline.
Comment: In summary, the available evidence is currently insufficient to determine the role of this variant in disease. Therefore, it has been classified as a Variant of Uncertain Significance. Algorithms developed to predict the effect of missense changes on protein structure and function (SIFT, PolyPhen-2, Align-GVGD) all suggest that this variant is likely to be disruptive. This variant has not been reported in the literature in individuals affected with ERCC6-related conditions. This variant is not present in population databases (gnomAD no frequency). This sequence change replaces threonine, which is neutral and polar, with alanine, which is neutral and non-polar, at codon 1447 of the ERCC6 protein (p.Thr1447Ala).